The following is an entry in ClinVar:

NM_006922.4(SCN3A):c.3525A>C (p.Lys1175Asn)

Gene: SCN3A (sodium voltage-gated channel alpha subunit 3; minus strand). Cytogenetic location: 2q24.3.
Variant type: single nucleotide variant.
Coding change: c.3525A>C on transcript NM_006922.4 (MANE Select); coding-DNA position 3525, A replaced by C.
Protein change: p.Lys1175Asn; replaces lysine 1175 with asparagine.
Molecular consequence: missense variant.
Genome position (GRCh38, 1-based): chr2:165,113,960, T>G on the plus strand (A>C on the coding strand, the complement: SCN3A is on the minus strand). VCF-style: chr2-165113960-T-G. GRCh37 (hg19) VCF-style: chr2-165970470-T-G.
Other names: c.3378A>C, p.Lys1126Asn (NM_001081676.2, NM_001081677.2); short protein forms K1126N, K1175N.
Identifiers: ClinVar variation 950485 (VCV000950485.8), dbSNP rs758604346, ClinGen allele CA1938758.

ClinVar aggregate classification (germline): Uncertain significance. Review status: criteria provided, multiple submitters, no conflicts (2 of 4 stars). 2 submissions from 2 submitters: Uncertain significance (2). Last evaluated 2025-11-05.

Conditions:
SCN3A-related disorder. Also called: SCN3A-related condition.

Allele frequency attached by ClinVar (database versions not stated): gnomAD 0.00001; gnomAD exomes 0.00001 and 0.00002; ExAC 0.00002; TOPMed 0.00003.
gnomAD v4.1: 20 of 1,588,294 alleles (0.0013%); highest among the groups gnomAD compares: Admixed American, 0.0067%; no homozygotes.

Submissions (2):

Labcorp Genetics (formerly Invitae), Labcorp
Classification: Uncertain significance. Last evaluated: 2025-11-05. Review status: criteria provided, single submitter. Criteria: Invitae Variant Classification Sherloc (09022015). Collection method: clinical testing. Allele origin: germline.
Comment: This sequence change replaces lysine, which is basic and polar, with asparagine, which is neutral and polar, at codon 1175 of the SCN3A protein (p.Lys1175Asn). This variant is present in population databases (rs758604346, gnomAD 0.006%). This variant has not been reported in the literature in individuals affected with SCN3A-related conditions. ClinVar contains an entry for this variant (Variation ID: 950485). Invitae Evidence Modeling of protein sequence and biophysical properties (such as structural, functional, and spatial information, amino acid conservation, physicochemical variation, residue mobility, and thermodynamic stability) has been performed for this missense variant. However, the output from this modeling did not meet the statistical confidence thresholds required to predict the impact of this variant on SCN3A protein function. In summary, the available evidence is currently insufficient to determine the role of this variant in disease. Therefore, it has been classified as a Variant of Uncertain Significance.

PreventionGenetics, part of Exact Sciences
Classification: Uncertain significance for SCN3A-related condition. Last evaluated: 2023-01-31. Review status: criteria provided, single submitter. Criteria: ACMG Guidelines, 2015. Collection method: clinical testing. Allele origin: germline.
Comment: The SCN3A c.3525A>C variant is predicted to result in the amino acid substitution p.Lys1175Asn. To our knowledge, this variant has not been reported in the literature. This variant is reported in 0.0059% of alleles in individuals of Latino descent in gnomAD. At this time, the clinical significance of this variant is uncertain due to the absence of conclusive functional and genetic evidence.